The following is an entry in ClinVar:

NM_001384474.1(LOXHD1):c.4280T>C (p.Ile1427Thr)

Gene: LOXHD1 (lipoxygenase homology PLAT domains 1; minus strand). Cytogenetic location: 18q21.1.
Variant type: single nucleotide variant.
Coding change: c.4280T>C on transcript NM_001384474.1 (MANE Select); coding-DNA position 4280, T replaced by C.
Protein change: p.Ile1427Thr; replaces isoleucine 1427 with threonine.
Molecular consequence: missense variant.
Genome position (GRCh38, 1-based): chr18:46,533,257, A>G on the plus strand (T>C on the coding strand, the complement: LOXHD1 is on the minus strand). VCF-style: chr18-46533257-A-G. GRCh37 (hg19) VCF-style: chr18-44113220-A-G.
Other names: c.947T>C, p.Ile316Thr (NM_001145472.3); c.659T>C, p.Ile220Thr (NM_001308013.2); c.4280T>C, p.Ile1427Thr (NM_144612.7); short protein forms I220T, I1427T, I316T.
Identifiers: ClinVar variation 1464432 (VCV001464432.5), dbSNP rs945869323, ClinGen allele CA299803730.

ClinVar aggregate classification (germline): Uncertain significance (1 of 4 stars; one submission).

Allele frequency attached by ClinVar (database versions not stated): gnomAD exomes below 0.00001 and 0.00001; TOPMed 0.00001; gnomAD 0.00002.
gnomAD v4.1: 4 of 1,551,634 alleles (0.00026%); highest among the groups gnomAD compares: Admixed American, 0.002%; no homozygotes.

Submission:

Labcorp Genetics (formerly Invitae), Labcorp
Classification: Uncertain significance. Last evaluated: 2021-09-17. Review status: criteria provided, single submitter. Criteria: Invitae Variant Classification Sherloc (09022015). Collection method: clinical testing. Allele origin: germline.
Comment: This sequence change replaces isoleucine with threonine at codon 1427 of the LOXHD1 protein (p.Ile1427Thr). The isoleucine residue is moderately conserved and there is a moderate physicochemical difference between isoleucine and threonine. This variant is not present in population databases (ExAC no frequency). This variant has not been reported in the literature in individuals with LOXHD1-related conditions. Algorithms developed to predict the effect of missense changes on protein structure and function are either unavailable or do not agree on the potential impact of this missense change (SIFT: "Deleterious"; PolyPhen-2: "Possibly Damaging"; Align-GVGD: "Class C0"). In summary, the available evidence is currently insufficient to determine the role of this variant in disease. Therefore, it has been classified as a Variant of Uncertain Significance.